The following is an entry in ClinVar:

ClinVar aggregate classification (germline): Pathogenic. Review status: no assertion criteria provided (0 of 4 stars). 2 submissions from 2 submitters: Pathogenic (1). 1 of the submissions does not count toward it. Last evaluated 2001-08-01.

Conditions:
Multiple epiphyseal dysplasia. Also called: Multiple epiphyseal dysplasia (disease). Identifiers: Orphanet 251, MedGen C0026760, MONDO:0016648, HP:0002654.
Multiple epiphyseal dysplasia type 5 (EDM5). Also called: Microepiphyseal dysplasia, bilateral hereditary; MATN3-Related Multiple Epiphyseal Dysplasia. Identifiers: Orphanet 93311, MedGen C1846843, MONDO:0011765, OMIM 607078.

Submissions (2):

OMIM
Classification: Pathogenic for EPIPHYSEAL DYSPLASIA, MULTIPLE, 5. Last evaluated: 2001-08-01. Review status: no assertion criteria provided. Collection method: literature only. Allele origin: germline.

GeneReviews
No classification provided. Condition: Multiple epiphyseal dysplasia. Review status: no classification provided. Collection method: literature only. Allele origin: germline. Not counted in ClinVar's aggregate classification.
Comment: An MED mouse model harboring the p.Val194Asp pathogenic variant has demonstrated that the expression of this pathogenic variant causes ER stress and an unfolded protein response. Ultimately this results in a reduction in chondrocyte proliferation and dysregulated apoptosis [Leighton et al 2007, Nundlall et al 2010].

Literature cited by the submitters: PubMed 11479597 (cited by OMIM); PubMed 17517694 (cited by GeneReviews); PubMed 20428984 (cited by GeneReviews); NCBI Bookshelf NBK1123 (cited by GeneReviews).

NM_002381.5(MATN3):c.581T>A (p.Val194Asp)

Gene: MATN3 (matrilin 3; minus strand). Cytogenetic location: 2p24.1.
Variant type: single nucleotide variant.
Coding change: c.581T>A on transcript NM_002381.5 (MANE Select); coding-DNA position 581, T replaced by A.
Protein change: p.Val194Asp; replaces valine 194 with aspartic acid.
Molecular consequence: missense variant.
Genome position (GRCh38, 1-based): chr2:20,005,953, A>T on the plus strand (T>A on the coding strand, the complement: MATN3 is on the minus strand). VCF-style: chr2-20005953-A-T. GRCh37 (hg19) VCF-style: chr2-20205714-A-T.
Other names: short protein forms V194D.
Identifiers: ClinVar variation 7540 (VCV000007540.3), dbSNP rs104893645, ClinGen allele CA254202.